The following is an entry in ClinVar:

NM_001364905.1(LRBA):c.1649C>T (p.Ala550Val)

Gene: LRBA (LPS responsive beige-like anchor protein; minus strand). Cytogenetic location: 4q31.3.
Variant type: single nucleotide variant.
Coding change: c.1649C>T on transcript NM_001364905.1 (MANE Select); coding-DNA position 1649, C replaced by T.
Protein change: p.Ala550Val; replaces alanine 550 with valine.
Molecular consequence: missense variant.
Genome position (GRCh38, 1-based): chr4:150,905,944, G>A on the plus strand (C>T on the coding strand, the complement: LRBA is on the minus strand). VCF-style: chr4-150905944-G-A. GRCh37 (hg19) VCF-style: chr4-151827096-G-A.
Other names: c.1649C>T, p.Ala550Val (NM_001199282.3, NM_001367550.1, NM_001440430.1 and 2 more transcripts); short protein forms A550V.
Identifiers: ClinVar variation 4804194 (VCV004804194.1).
Genomic context (GRCh38, chr4:150,905,944, plus strand): 5'-TCACACAATTGCTTGAGCAGGGGCATCCCATTCTGCAGATTACTCAGATATTTTGAAAAT[G>A]CAAGGCAAAGTTCAAGTACTGCTCTGCTAACATGAGATTTGGAAGACTGCAAAAAAAGTA-3'
Protein context (NP_001351834.1, residues 540-560): VSRAVLELCL[Ala550Val]FSKYLSNLQN

ClinVar aggregate classification (germline): Uncertain significance (1 of 4 stars; one submission).

Conditions:
Combined immunodeficiency due to LRBA deficiency. Also called: Common variable immunodeficiency 8, with autoimmunity. Identifiers: Orphanet 445018, MedGen C3553512, MONDO:0013863, OMIM 614700.

gnomAD v4.1: 1 of 1,613,630 alleles (0.000062%); highest among the groups gnomAD compares: Admixed American, 0.0017%; no homozygotes.

Submission:

Labcorp Genetics (formerly Invitae), Labcorp
Classification: Uncertain significance for Combined immunodeficiency due to LRBA deficiency. Last evaluated: 2025-01-28. Review status: criteria provided, single submitter. Criteria: Invitae Variant Classification Sherloc (09022015). Collection method: clinical testing. Allele origin: germline.
Comment: This sequence change replaces alanine, which is neutral and non-polar, with valine, which is neutral and non-polar, at codon 550 of the LRBA protein (p.Ala550Val). This variant is present in population databases (rs781408716, gnomAD 0.003%). This variant has not been reported in the literature in individuals affected with LRBA-related conditions. An algorithm developed to predict the effect of missense changes on protein structure and function outputs the following: PolyPhen-2: "Benign". The valine amino acid residue is found in multiple mammalian species, which suggests that this missense change does not adversely affect protein function. In summary, the available evidence is currently insufficient to determine the role of this variant in disease. Therefore, it has been classified as a Variant of Uncertain Significance.